The following is an entry in ClinVar:

ClinVar aggregate classification (germline): Likely benign. Review status: criteria provided, multiple submitters, no conflicts (2 of 4 stars). 2 submissions from 2 submitters: Likely benign (2). Last evaluated 2025-11-12.

Conditions:
Long QT syndrome (LQTS). Identifiers: MedGen C0023976, MeSH D008133, MONDO:0002442. Disease mechanism: loss of function. Inheritance: Various modes of inheritance.

Allele frequency attached by ClinVar (database versions not stated): TOPMed below 0.00001; ExAC 0.00001.

Submissions (2):

Labcorp Genetics (formerly Invitae), Labcorp
Classification: Likely benign for Long QT syndrome. Last evaluated: 2025-11-12. Review status: criteria provided, single submitter. Criteria: Invitae Variant Classification Sherloc (09022015). Collection method: clinical testing. Allele origin: germline.

All of Us Research Program, National Institutes of Health
Classification: Likely benign for Long QT syndrome. Last evaluated: 2023-09-17. Review status: criteria provided, single submitter. Criteria: ACMG Guidelines, 2015. Collection method: clinical testing. Allele origin: germline. Inheritance: Autosomal dominant inheritance. Observed: 1 variant allele, 1 heterozygote.
Comment: This study involves interpretation of variants in research participants for the purpose of population health screening. Participant phenotype was not available at the time of variant classification. Additional details can be found in publication PMID: 35346344, PMCID: PMC8962531

NM_000238.4(KCNH2):c.1431T>C (p.Asn477=)

Gene: KCNH2 (potassium voltage-gated channel subfamily H member 2; minus strand). Cytogenetic location: 7q36.1.
Variant type: single nucleotide variant.
Coding change: c.1431T>C on transcript NM_000238.4 (MANE Select); coding-DNA position 1431, T replaced by C.
Protein change: p.Asn477=; no amino-acid change (asparagine 477 retained).
Molecular consequence: synonymous variant. On other transcripts: non-coding transcript variant (2).
Genome position (GRCh38, 1-based): chr7:150,952,551, A>G on the plus strand (T>C on the coding strand, the complement: KCNH2 is on the minus strand). VCF-style: chr7-150952551-A-G. GRCh37 (hg19) VCF-style: chr7-150649639-A-G.
Other names: c.411T>C, p.Asn137= (NM_001204798.2, NM_172057.3); c.1143T>C, p.Asn381= (NM_001406753.1, NM_001406756.1); c.1254T>C, p.Asn418= (NM_001406755.1); c.1131T>C, p.Asn377= (NM_001406757.1); c.1431T>C, p.Asn477= (NM_172056.3).
Identifiers: ClinVar variation 3073378 (VCV003073378.3), dbSNP rs771602624, ClinGen allele CA028003.
Genomic context (GRCh38, chr7:150,952,551, plus strand): 5'-CCAGCCCTTGAAGTAGTGGACGGCGATGCGGCCGGGGTGGCTGACCACCTCCTCGTTGGC[A>G]TTGACGTAGGTGGTGCGGAAGTTGATGAGGATGTCCACAATGAACATGATGTCCACGATG-3'
Protein context (NP_000229.1, residues 467-487): ILINFRTTYV[Asn477=]ANEEVVSHPG